The following is an entry in ClinVar:

ClinVar aggregate classification (germline): Uncertain significance (1 of 4 stars; one submission).

Conditions:
TP63-Related Spectrum Disorders.

Allele frequency attached by ClinVar (database versions not stated): TOPMed below 0.00001.
gnomAD v4.1: 16 of 1,614,210 alleles (0.00099%); highest among the groups gnomAD compares: Non-Finnish European, 0.0014%; no homozygotes.

Submission:

Labcorp Genetics (formerly Invitae), Labcorp
Classification: Uncertain significance. Last evaluated: 2023-03-31. Review status: criteria provided, single submitter. Criteria: Invitae Variant Classification Sherloc (09022015). Collection method: clinical testing. Allele origin: germline.
Comment: This sequence change replaces alanine, which is neutral and non-polar, with glutamic acid, which is acidic and polar, at codon 145 of the TP63 protein (p.Ala145Glu). In summary, the available evidence is currently insufficient to determine the role of this variant in disease. Therefore, it has been classified as a Variant of Uncertain Significance. Advanced modeling of protein sequence and biophysical properties (such as structural, functional, and spatial information, amino acid conservation, physicochemical variation, residue mobility, and thermodynamic stability) has been performed at Invitae for this missense variant, however the output from this modeling did not meet the statistical confidence thresholds required to predict the impact of this variant on TP63 protein function. This variant has not been reported in the literature in individuals affected with TP63-related conditions. This variant is present in population databases (no rsID available, gnomAD 0.0009%).

NM_003722.5(TP63):c.434C>A (p.Ala145Glu)

Gene: TP63 (tumor protein p63; plus strand). Cytogenetic location: 3q28.
Variant type: single nucleotide variant.
Coding change: c.434C>A on transcript NM_003722.5 (MANE Select); coding-DNA position 434, C replaced by A.
Protein change: p.Ala145Glu; replaces alanine 145 with glutamic acid.
Molecular consequence: missense variant. On other transcripts: intron variant (2).
Genome position (GRCh38, 1-based): chr3:189,808,381, C>A. VCF-style: chr3-189808381-C-A. GRCh37 (hg19) VCF-style: chr3-189526170-C-A.
Other names: c.434C>A, p.Ala145Glu (NM_001114978.2, NM_001114979.2, NM_001329144.2 and 1 more transcripts); c.152C>A, p.Ala51Glu (NM_001114980.2, NM_001114981.2, NM_001114982.2 and 2 more transcripts); c.428C>A, p.Ala143Glu (NM_001329964.2); c.42+18539C>A (NM_001329146.2, NM_001329150.2); short protein forms A143E, A51E, A145E.
Identifiers: ClinVar variation 2985355 (VCV002985355.2), dbSNP rs1225645471, ClinGen allele CA355750552.